The following is an entry in ClinVar:

NM_015702.3(MMADHC):c.299C>T (p.Pro100Leu)

Gene: MMADHC (metabolism of cobalamin associated D; minus strand). Cytogenetic location: 2q23.2.
Variant type: single nucleotide variant.
Coding change: c.299C>T on transcript NM_015702.3 (MANE Select); coding-DNA position 299, C replaced by T.
Protein change: p.Pro100Leu; replaces proline 100 with leucine.
Molecular consequence: missense variant.
Genome position (GRCh38, 1-based): chr2:149,579,504, G>A on the plus strand (C>T on the coding strand, the complement: MMADHC is on the minus strand). VCF-style: chr2-149579504-G-A. GRCh37 (hg19) VCF-style: chr2-150436018-G-A.
Other names: short protein forms P100L.
Identifiers: ClinVar variation 2063357 (VCV002063357.2), dbSNP rs776707322, ClinGen allele CA1902453.

ClinVar aggregate classification (germline): Uncertain significance (1 of 4 stars; one submission).

Conditions:
Methylmalonic aciduria and homocystinuria type cblD (MAHCD). Also called: Methylmalonic aciduria with homocystinuria cblD type; METHYLMALONIC ACIDEMIA, cblH TYPE. Identifiers: Orphanet 622, Orphanet 79283, MedGen C1848552, MONDO:0010185, OMIM 277410.

Allele frequency attached by ClinVar (database versions not stated): gnomAD exomes below 0.00001; ExAC 0.00001.

Submission:

Labcorp Genetics (formerly Invitae), Labcorp
Classification: Uncertain significance for Methylmalonic aciduria and homocystinuria type cblD. Last evaluated: 2025-12-03. Review status: criteria provided, single submitter. Criteria: Invitae Variant Classification Sherloc (09022015). Collection method: clinical testing. Allele origin: germline.
Comment: This sequence change replaces proline, which is neutral and non-polar, with leucine, which is neutral and non-polar, at codon 100 of the MMADHC protein (p.Pro100Leu). This variant is present in population databases (rs776707322, gnomAD 0.002%). This variant has not been reported in the literature in individuals affected with MMADHC-related conditions. ClinVar contains an entry for this variant (Variation ID: 2063357). Invitae Evidence Modeling of protein sequence and biophysical properties (such as structural, functional, and spatial information, amino acid conservation, physicochemical variation, residue mobility, and thermodynamic stability) indicates that this missense variant is not expected to disrupt MMADHC protein function with a negative predictive value of 80%. In summary, the available evidence is currently insufficient to determine the role of this variant in disease. Therefore, it has been classified as a Variant of Uncertain Significance.